The following is an entry in ClinVar:

ClinVar aggregate classification (germline): Likely benign. Review status: criteria provided, multiple submitters, no conflicts (2 of 4 stars). 3 submissions from 3 submitters: Likely benign (2). 1 of the submissions does not count toward it. Last evaluated 2025-10-01.

Conditions:
SOX4-related disorder. Also called: SOX4-related condition.

Allele frequency attached by ClinVar (database versions not stated): 1000 Genomes Project 30x 0.00344; 1000 Genomes Project 0.00479.

Submissions (3):

CeGaT Center for Human Genetics Tuebingen
Classification: Likely benign. Last evaluated: 2025-10-01. Review status: criteria provided, single submitter. Criteria: CeGaT Center For Human Genetics Tuebingen Variant Classification Criteria Version 2. Collection method: clinical testing. Allele origin: germline. Affected: yes. Observed: 2 variant alleles.
Comment: SOX4: BP4, BP7, BS1

Blueprint Genetics
Classification: Likely benign. Last evaluated: 2024-11-14. Review status: criteria provided, single submitter. Criteria: ACMG Guidelines, 2015. Collection method: clinical testing. Allele origin: germline.

PreventionGenetics, part of Exact Sciences
Classification: Benign for SOX4-related condition. Last evaluated: 2019-12-23. Review status: no assertion criteria provided. Collection method: clinical testing. Allele origin: germline. Not counted in ClinVar's aggregate classification.
Comment: This variant is classified as benign based on ACMG/AMP sequence variant interpretation guidelines (Richards et al. 2015 PMID: 25741868, with internal and published modifications).

NM_003107.3(SOX4):c.531G>A (p.Ala177=)

Gene: SOX4 (SRY-box transcription factor 4; plus strand). Cytogenetic location: 6p22.3.
Variant type: single nucleotide variant.
Coding change: c.531G>A on transcript NM_003107.3 (MANE Select); coding-DNA position 531, G replaced by A.
Protein change: p.Ala177=; no amino-acid change (alanine 177 retained).
Molecular consequence: synonymous variant.
Genome position (GRCh38, 1-based): chr6:21,595,065, G>A. VCF-style: chr6-21595065-G-A. GRCh37 (hg19) VCF-style: chr6-21595296-G-A.
Other names: c.531G>A (NM_003107.2).
Identifiers: ClinVar variation 2656269 (VCV002656269.26), dbSNP rs569299528, ClinGen allele CA3653613.